The following is an entry in ClinVar:

NM_001873.4(CPE):c.1078G>A (p.Asp360Asn)

Gene: CPE (carboxypeptidase E; plus strand). Cytogenetic location: 4q32.3.
Variant type: single nucleotide variant.
Coding change: c.1078G>A on transcript NM_001873.4 (MANE Select); coding-DNA position 1078, G replaced by A.
Protein change: p.Asp360Asn; replaces aspartic acid 360 with asparagine.
Molecular consequence: missense variant.
Genome position (GRCh38, 1-based): chr4:165,487,542, G>A. VCF-style: chr4-165487542-G-A. GRCh37 (hg19) VCF-style: chr4-166408694-G-A.
Other names: short protein forms D360N.
Identifiers: ClinVar variation 4992422 (VCV004992422.1).

ClinVar aggregate classification (germline): Uncertain significance (1 of 4 stars; one submission).

Conditions:
CPE-related disorder. Also called: CPE-related condition.

Submission:

PreventionGenetics, part of Exact Sciences
Classification: Uncertain significance for CPE-related condition. Last evaluated: 2026-05-21. Review status: criteria provided, single submitter. Criteria: ACMG Guidelines, 2015. Collection method: clinical testing. Allele origin: germline.
Comment: The CPE c.1078G>A variant is predicted to result in the amino acid substitution p.Asp360Asn. To our knowledge, this variant has not been reported in the literature or in a large population database (gnomAD), indicating this variant is rare. At this time, the clinical significance of this variant is uncertain due to the absence of conclusive functional and genetic evidence.